The following is an entry in ClinVar:

NM_001366521.1(ATP2B1):c.2692G>A (p.Ala898Thr)

Gene: ATP2B1 (ATPase plasma membrane Ca2+ transporting 1; minus strand). Cytogenetic location: 12q21.33.
Variant type: single nucleotide variant.
Coding change: c.2692G>A on transcript NM_001366521.1 (MANE Select); coding-DNA position 2692, G replaced by A.
Protein change: p.Ala898Thr; replaces alanine 898 with threonine.
Molecular consequence: missense variant.
Genome position (GRCh38, 1-based): chr12:89,603,868, C>T on the plus strand (G>A on the coding strand, the complement: ATP2B1 is on the minus strand). VCF-style: chr12-89603868-C-T. GRCh37 (hg19) VCF-style: chr12-89997645-C-T.
Other names: c.2692G>A, p.Ala898Thr (NM_001001323.2, NM_001366520.1, NM_001366522.1 and 12 more transcripts); c.2494G>A, p.Ala832Thr (NM_001366530.1, NM_001413053.1); c.2131G>A, p.Ala711Thr (NM_001366531.1, NM_001366532.1, NM_001413058.1 and 2 more transcripts); c.2653G>A, p.Ala885Thr (NM_001413048.1); c.2551G>A, p.Ala851Thr (NM_001413051.1, NM_001413052.1, NM_001413055.1); c.2449G>A, p.Ala817Thr (NM_001413054.1); c.2437G>A, p.Ala813Thr (NM_001413056.1); c.2239G>A, p.Ala747Thr (NM_001413057.1); short protein forms A711T, A747T, A817T, A813T, A885T, A898T, A832T, A851T.
Identifiers: ClinVar variation 3781221 (VCV003781221.1).

ClinVar aggregate classification (germline): Uncertain significance (1 of 4 stars; one submission).

Submission:

GeneDx
Classification: Uncertain significance. Last evaluated: 2024-10-18. Review status: criteria provided, single submitter. Criteria: GeneDx Variant Classification Process June 2021. Collection method: clinical testing. Allele origin: germline. Affected: yes.
Comment: Not observed at significant frequency in large population cohorts (gnomAD); In silico analysis supports that this missense variant has a deleterious effect on protein structure/function; Has not been previously published as pathogenic or benign to our knowledge